The following is an entry in ClinVar:

ClinVar aggregate classification (germline): Conflicting classifications of pathogenicity. Review status: criteria provided, conflicting classifications (1 of 4 stars). 2 submissions from 2 submitters: Uncertain significance (1); Likely benign (1). Last evaluated 2025-03-14.

Conditions:
Long QT syndrome (LQTS). Identifiers: MedGen C0023976, MeSH D008133, MONDO:0002442. Disease mechanism: loss of function. Inheritance: Various modes of inheritance.

Submissions (2):

Labcorp Genetics (formerly Invitae), Labcorp
Classification: Likely benign for Long QT syndrome. Last evaluated: 2025-03-14. Review status: criteria provided, single submitter. Criteria: Invitae Variant Classification Sherloc (09022015). Collection method: clinical testing. Allele origin: germline.

All of Us Research Program, National Institutes of Health
Classification: Uncertain significance for Long QT syndrome. Last evaluated: 2023-10-06. Review status: criteria provided, single submitter. Criteria: ACMG Guidelines, 2015. Collection method: clinical testing. Allele origin: germline. Inheritance: Autosomal dominant inheritance. Observed: 1 variant allele, 1 heterozygote.
Comment: This variant causes a C to G nucleotide substitution at the -14 position of intron 15 of the KCNQ1 gene. To our knowledge, functional studies have not been reported for this variant. This variant has not been reported in individuals affected with KCNQ1-related disorders in the literature. This variant has not been identified in the general population by the Genome Aggregation Database (gnomAD). The available evidence is insufficient to determine the role of this variant in disease conclusively. Therefore, this variant is classified as a Variant of Uncertain Significance.

This study involves interpretation of variants in research participants for the purpose of population health screening. Participant phenotype was not available at the time of variant classification. Additional details can be found in publication PMID: 35346344, PMCID: PMC8962531

NM_000218.3(KCNQ1):c.1795-14C>G

Genes: KCNQ1 (potassium voltage-gated channel subfamily Q member 1; plus strand), KCNQ1-AS1 (KCNQ1 antisense RNA 1; minus strand). Cytogenetic location: 11p15.4.
Variant type: single nucleotide variant.
Coding change: c.1795-14C>G on transcript NM_000218.3 (MANE Select); 14 bases into the intron before coding-DNA position 1795, C replaced by G.
Molecular consequence: intron variant.
Genome position (GRCh38, 1-based): chr11:2,847,753, C>G. VCF-style: chr11-2847753-C-G. GRCh37 (hg19) VCF-style: chr11-2868983-C-G.
Other names: c.1525-14C>G (NM_001406837.1); c.1699-14C>G (NM_001406836.1); c.1255-14C>G (NM_001406838.1); c.1414-14C>G (NM_181798.2); c.307-14C>G (NM_001406839.1).
Identifiers: ClinVar variation 3002132 (VCV003002132.4), dbSNP rs1848360692, ClinGen allele CA1948349574.
Genomic context (GRCh38, chr11:2,847,753, plus strand): 5'-CCTGGGCCCTGAGGCTGTCTGCACACCTGGGTGCTTCCCACCACTGACTCTCTCGTCTGC[C>G]TTTGTCCCCGCAGGTGACGCAGCTGGACCAGAGGCTGGCACTCATCACCGACATGCTTCA-3'